The following is an entry in ClinVar:

NM_001142800.2(EYS):c.4607A>G (p.Gln1536Arg)

Gene: EYS (EGF-like photoreceptor maintenance factor; minus strand). Cytogenetic location: 6q12.
Variant type: single nucleotide variant.
Coding change: c.4607A>G on transcript NM_001142800.2 (MANE Select); coding-DNA position 4607, A replaced by G.
Protein change: p.Gln1536Arg; replaces glutamine 1536 with arginine.
Molecular consequence: missense variant.
Genome position (GRCh38, 1-based): chr6:64,591,260, T>C on the plus strand (A>G on the coding strand, the complement: EYS is on the minus strand). VCF-style: chr6-64591260-T-C. GRCh37 (hg19) VCF-style: chr6-65301153-T-C.
Other names: c.4607A>G, p.Gln1536Arg (NM_001292009.2); short protein forms Q1536R.
Identifiers: ClinVar variation 357709 (VCV000357709.7), dbSNP rs528387472, ClinGen allele CA3877065.

ClinVar aggregate classification (germline): Uncertain significance. Review status: criteria provided, multiple submitters, no conflicts (2 of 4 stars). 3 submissions from 3 submitters: Uncertain significance (3). Last evaluated 2023-06-21.

Conditions:
Retinitis pigmentosa (RP). Identifiers: Orphanet 791, MedGen C0035334, MeSH D012174, MONDO:0019200, OMIM 268000. Inheritance: Autosomal dominant, autosomal recessive and X linked inheritance.

Allele frequency attached by ClinVar (database versions not stated): gnomAD below 0.00001 and 0.00003; TOPMed 0.00001; gnomAD exomes 0.00003 and 0.00008; ExAC 0.00005; 1000 Genomes Project 30x 0.00047; 1000 Genomes Project 0.00060.
gnomAD v4.1: 47 of 1,551,446 alleles (0.003%); highest among the groups gnomAD compares: South Asian, 0.05%; no homozygotes.

Submissions (3):

Blueprint Genetics
Classification: Uncertain significance. Last evaluated: 2023-06-21. Review status: criteria provided, single submitter. Criteria: ACMG Guidelines, 2015. Collection method: clinical testing. Allele origin: germline.

Labcorp Genetics (formerly Invitae), Labcorp
Classification: Uncertain significance. Last evaluated: 2022-08-19. Review status: criteria provided, single submitter. Criteria: Invitae Variant Classification Sherloc (09022015). Collection method: clinical testing. Allele origin: germline.
Comment: This sequence change replaces glutamine, which is neutral and polar, with arginine, which is basic and polar, at codon 1536 of the EYS protein (p.Gln1536Arg). This variant is present in population databases (rs528387472, gnomAD 0.06%). This variant has not been reported in the literature in individuals affected with EYS-related conditions. ClinVar contains an entry for this variant (Variation ID: 357709). Algorithms developed to predict the effect of missense changes on protein structure and function output the following: SIFT: "Tolerated"; PolyPhen-2: "Benign"; Align-GVGD: "Class C0". The arginine amino acid residue is found in multiple mammalian species, which suggests that this missense change does not adversely affect protein function. In summary, the available evidence is currently insufficient to determine the role of this variant in disease. Therefore, it has been classified as a Variant of Uncertain Significance.

Illumina Laboratory Services, Illumina
Classification: Uncertain significance for Retinitis pigmentosa. Last evaluated: 2018-01-12. Review status: criteria provided, single submitter. Criteria: ICSL Variant Classification Criteria 13 December 2019. Collection method: clinical testing. Allele origin: germline.